The following is an entry in ClinVar:

ClinVar aggregate classification (germline): Likely benign. Review status: criteria provided, multiple submitters, no conflicts (2 of 4 stars). 2 submissions from 2 submitters: Likely benign (2). Last evaluated 2025-11-25.

Conditions:
CDH23-related disorder. Also called: CDH23-related disorders; CDH23-related condition.

Allele frequency attached by ClinVar (database versions not stated): gnomAD exomes below 0.00001 and 0.00001; TOPMed below 0.00001; ExAC 0.00001; gnomAD 0.00001.
gnomAD v4.1: 6 of 1,613,482 alleles (0.00037%); highest among the groups gnomAD compares: Non-Finnish European, 0.00051%; no homozygotes.

Submissions (2):

Labcorp Genetics (formerly Invitae), Labcorp
Classification: Likely benign. Last evaluated: 2025-11-25. Review status: criteria provided, single submitter. Criteria: Invitae Variant Classification Sherloc (09022015). Collection method: clinical testing. Allele origin: germline.

PreventionGenetics, part of Exact Sciences
Classification: Likely benign for CDH23-related condition. Last evaluated: 2025-01-11. Review status: criteria provided, single submitter. Criteria: ACMG Guidelines, 2015. Collection method: clinical testing. Allele origin: germline.
Comment: This variant is classified as likely benign based on ACMG/AMP sequence variant interpretation guidelines (Richards et al. 2015 PMID: 25741868, with internal and published modifications).

NM_022124.6(CDH23):c.1191C>T (p.His397=)

Gene: CDH23 (cadherin related 23; plus strand). Cytogenetic location: 10q22.1.
Variant type: single nucleotide variant.
Coding change: c.1191C>T on transcript NM_022124.6 (MANE Select); coding-DNA position 1191, C replaced by T.
Protein change: p.His397=; no amino-acid change (histidine 397 retained).
Molecular consequence: synonymous variant.
Genome position (GRCh38, 1-based): chr10:71,645,881, C>T. VCF-style: chr10-71645881-C-T. GRCh37 (hg19) VCF-style: chr10-73405638-C-T.
Other names: c.1191C>T, p.His397= (NM_001171930.2, NM_001171931.2, NM_052836.4); c.1191C>T (NM_022124.5).
Identifiers: ClinVar variation 1641144 (VCV001641144.9), dbSNP rs758305358, ClinGen allele CA5543727.